The following is an entry in ClinVar:

NM_004958.4(MTOR):c.840+8G>A

Gene: MTOR (mechanistic target of rapamycin kinase; minus strand). Cytogenetic location: 1p36.22.
Variant type: single nucleotide variant.
Coding change: c.840+8G>A on transcript NM_004958.4 (MANE Select); 8 bases into the intron after coding-DNA position 840, G replaced by A.
Molecular consequence: intron variant.
Genome position (GRCh38, 1-based): chr1:11,253,831, C>T on the plus strand (G>A on the coding strand, the complement: MTOR is on the minus strand). VCF-style: chr1-11253831-C-T. GRCh37 (hg19) VCF-style: chr1-11313888-C-T.
Other names: c.-300+8G>A (NM_001386501.1); c.840+8G>A (NM_001386500.1).
Identifiers: ClinVar variation 3029210 (VCV003029210.2), dbSNP rs2523432795, ClinGen allele CA2574212039.
Genomic context (GRCh38, chr1:11,253,831, plus strand): 5'-TCTCGCCTTGCCTCGCTCACAGAATGGTACACGGGGAGCCTGGACTCCCCTCTGCCGTGG[C>T]TTCTCACCTCTCCCTCCATGCTGCTGATTCGGACCAGCTCGTTAAGGATCAACAAGGCTC-3'

ClinVar aggregate classification (germline): Likely benign (0 of 4 stars; one submission).

Conditions:
MTOR-related disorder. Also called: MTOR-related condition.

Submission:

PreventionGenetics, part of Exact Sciences
Classification: Likely benign for MTOR-related condition. Last evaluated: 2021-06-18. Review status: no assertion criteria provided. Collection method: clinical testing. Allele origin: germline.
Comment: This variant is classified as likely benign based on ACMG/AMP sequence variant interpretation guidelines (Richards et al. 2015 PMID: 25741868, with internal and published modifications).